The following is an entry in ClinVar:

ClinVar aggregate classification (germline): Likely pathogenic (1 of 4 stars; one submission).

Submission:

Labcorp Genetics (formerly Invitae), Labcorp
Classification: Likely pathogenic. Last evaluated: 2023-06-22. Review status: criteria provided, single submitter. Criteria: Invitae Variant Classification Sherloc (09022015). Collection method: clinical testing. Allele origin: germline.
Comment: This sequence change falls in intron 4 of the PHEX gene. It does not directly change the encoded amino acid sequence of the PHEX protein. It affects a nucleotide within the consensus splice site. In summary, the currently available evidence indicates that the variant is pathogenic, but additional data are needed to prove that conclusively. Therefore, this variant has been classified as Likely Pathogenic. This variant disrupts the c.436+3G nucleotide in the PHEX gene. Other variant(s) that disrupt this nucleotide have been determined to be pathogenic (PMID: 21902834, 31102713; Invitae). This suggests that this nucleotide is clinically significant, and that variants that disrupt this position are likely to be disease-causing. Variants that disrupt the consensus splice site are a relatively common cause of aberrant splicing (PMID: 17576681, 9536098). Algorithms developed to predict the effect of sequence changes on RNA splicing suggest that this variant may disrupt the consensus splice site. This variant has been observed in individual(s) with hypophosphatemic ricket (Invitae). This variant is not present in population databases (gnomAD no frequency).

Literature cited by the submitters: PubMed 21902834; PubMed 31102713; PubMed 17576681; PubMed 9536098.

NM_000444.6(PHEX):c.436+3G>T

Gene: PHEX (phosphate regulating endopeptidase X-linked; plus strand). Cytogenetic location: Xp22.11.
Variant type: single nucleotide variant.
Coding change: c.436+3G>T on transcript NM_000444.6 (MANE Select); 3 bases into the intron after coding-DNA position 436, G replaced by T.
Molecular consequence: intron variant.
Genome position (GRCh38, 1-based): chrX:22,076,477, G>T. VCF-style: chrX-22076477-G-T. GRCh37 (hg19) VCF-style: chrX-22094595-G-T.
Other names: c.436+3G>T (NM_001282754.2).
Identifiers: ClinVar variation 2768484 (VCV002768484.3), dbSNP rs2147019311, ClinGen allele CA2697552895.